The following is an entry in ClinVar:

ClinVar aggregate classification (germline): Conflicting classifications of pathogenicity. Review status: criteria provided, conflicting classifications (1 of 4 stars). 3 submissions from 3 submitters: Uncertain significance (1); Likely benign (1). 1 of the submissions does not count toward it. Last evaluated 2022-03-22.

Conditions:
Inborn genetic diseases. Identifiers: MedGen C0950123, MeSH D030342.
PCNT-related disorder. Also called: PCNT-related condition.

Allele frequency attached by ClinVar (database versions not stated): gnomAD exomes 0.00005; ExAC 0.00006; TOPMed 0.00008; ESP Exome Variant Server 0.00015.
gnomAD v4.1: 85 of 1,613,698 alleles (0.0053%); highest among the groups gnomAD compares: African/African-American, 0.0067%; no homozygotes.

Submissions (3):

Ambry Genetics
Classification: Likely benign for Inborn genetic diseases. Last evaluated: 2022-03-22. Review status: criteria provided, single submitter. Criteria: Ambry Variant Classification Scheme 2023. Collection method: clinical testing. Allele origin: germline.

Labcorp Genetics (formerly Invitae), Labcorp
Classification: Uncertain significance. Last evaluated: 2022-03-14. Review status: criteria provided, single submitter. Criteria: Invitae Variant Classification Sherloc (09022015). Collection method: clinical testing. Allele origin: germline.
Comment: This sequence change replaces arginine, which is basic and polar, with histidine, which is basic and polar, at codon 2388 of the PCNT protein (p.Arg2388His). This variant is present in population databases (rs150355356, gnomAD 0.008%). This variant has not been reported in the literature in individuals affected with PCNT-related conditions. Algorithms developed to predict the effect of missense changes on protein structure and function output the following: SIFT: "Tolerated"; PolyPhen-2: "Benign"; Align-GVGD: "Class C0". The histidine amino acid residue is found in multiple mammalian species, which suggests that this missense change does not adversely affect protein function. In summary, the available evidence is currently insufficient to determine the role of this variant in disease. Therefore, it has been classified as a Variant of Uncertain Significance.

PreventionGenetics, part of Exact Sciences
Classification: Uncertain significance for PCNT-related condition. Last evaluated: 2024-06-03. Review status: no assertion criteria provided. Collection method: clinical testing. Allele origin: germline. Not counted in ClinVar's aggregate classification.
Comment: The PCNT c.7163G>A variant is predicted to result in the amino acid substitution p.Arg2388His. To our knowledge, this variant has not been reported in the literature. This variant is reported in 0.0080% of alleles in individuals of African descent in gnomAD. At this time, the clinical significance of this variant is uncertain due to the absence of conclusive functional and genetic evidence.

NM_006031.6(PCNT):c.7163G>A (p.Arg2388His)

Gene: PCNT (pericentrin; plus strand). Cytogenetic location: 21q22.3.
Variant type: single nucleotide variant.
Coding change: c.7163G>A on transcript NM_006031.6 (MANE Select); coding-DNA position 7163, G replaced by A.
Protein change: p.Arg2388His; replaces arginine 2388 with histidine.
Molecular consequence: missense variant.
Genome position (GRCh38, 1-based): chr21:46,422,108, G>A. VCF-style: chr21-46422108-G-A. GRCh37 (hg19) VCF-style: chr21-47842022-G-A.
Other names: c.6809G>A, p.Arg2270His (NM_001315529.2); c.7163G>A (NM_006031.5); short protein forms R2388H, R2270H.
Identifiers: ClinVar variation 2190737 (VCV002190737.4), dbSNP rs150355356, ClinGen allele CA10080536.